The following is an entry in ClinVar:

NM_006912.6(RIT1):c.505T>G (p.Tyr169Asp)

Gene: RIT1 (Ras like without CAAX 1; minus strand). Cytogenetic location: 1q22.
Variant type: single nucleotide variant.
Coding change: c.505T>G on transcript NM_006912.6 (MANE Select); coding-DNA position 505, T replaced by G.
Protein change: p.Tyr169Asp; replaces tyrosine 169 with aspartic acid.
Molecular consequence: missense variant.
Genome position (GRCh38, 1-based): chr1:155,900,543, A>C on the plus strand (T>G on the coding strand, the complement: RIT1 is on the minus strand). VCF-style: chr1-155900543-A-C. GRCh37 (hg19) VCF-style: chr1-155870334-A-C.
Other names: c.397T>G, p.Tyr133Asp (NM_001256820.2); c.556T>G, p.Tyr186Asp (NM_001256821.2); short protein forms Y133D, Y169D, Y186D.
Identifiers: ClinVar variation 4799945 (VCV004799945.1).

ClinVar aggregate classification (germline): Uncertain significance (1 of 4 stars; one submission).

Conditions:
Noonan syndrome 8 (NS8). Identifiers: Orphanet 648, MedGen C3809233, MONDO:0014143, OMIM 615355.

Submission:

Labcorp Genetics (formerly Invitae), Labcorp
Classification: Uncertain significance for Noonan syndrome 8. Last evaluated: 2025-05-04. Review status: criteria provided, single submitter. Criteria: Invitae Variant Classification Sherloc (09022015). Collection method: clinical testing. Allele origin: germline.
Comment: This sequence change replaces tyrosine, which is neutral and polar, with aspartic acid, which is acidic and polar, at codon 169 of the RIT1 protein (p.Tyr169Asp). This variant is not present in population databases (gnomAD no frequency). This variant has not been reported in the literature in individuals affected with RIT1-related conditions. Invitae Evidence Modeling of protein sequence and biophysical properties (such as structural, functional, and spatial information, amino acid conservation, physicochemical variation, residue mobility, and thermodynamic stability) indicates that this missense variant is not expected to disrupt RIT1 protein function with a negative predictive value of 95%. In summary, the available evidence is currently insufficient to determine the role of this variant in disease. Therefore, it has been classified as a Variant of Uncertain Significance.